The following is an entry in ClinVar:

NM_001082538.3(TCTN1):c.221-2A>G

Gene: TCTN1 (tectonic family member 1; plus strand). Cytogenetic location: 12q24.11.
Variant type: single nucleotide variant.
Coding change: c.221-2A>G on transcript NM_001082538.3 (MANE Select); the canonical splice acceptor site of the intron before coding-DNA position 221, A replaced by G.
Molecular consequence: splice acceptor variant.
Genome position (GRCh38, 1-based): chr12:110,619,834, A>G. VCF-style: chr12-110619834-A-G. GRCh37 (hg19) VCF-style: chr12-111057639-A-G.
Other names: IVS1AS, A-G, -2; c.53-2A>G (NM_001173975.3, NM_001319682.3); c.41-2A>G (NM_001173976.2); c.-487-2A>G (NM_001319681.2); c.221-2A>G (NM_024549.6, NM_001082537.3, NM_001319680.2).
Identifiers: ClinVar variation 30803 (VCV000030803.17), dbSNP rs367543065, ClinGen allele CA342750.
Genomic context (GRCh38, chr12:110,619,834, plus strand): 5'-CAGGGGGCAGTCACCACCTGCTGATGGTGATGTTCTGGATCCTACCCCTCTTTTTTCTGC[A>G]GTTGCTGTTCTCTGTGTCTGTGACTTATCCCCAGCACAGTGTGACATCAACTGCTGCTGT-3'

ClinVar aggregate classification (germline): Pathogenic. Review status: criteria provided, single submitter (1 of 4 stars). 2 submissions from 2 submitters: Pathogenic (1). 1 of the submissions does not count toward it. Last evaluated 2024-10-01.

Conditions:
Joubert syndrome 13 (JBTS13). Identifiers: Orphanet 475, MedGen C3280031, MONDO:0013608, OMIM 614173.

Submissions (2):

CeGaT Center for Human Genetics Tuebingen
Classification: Pathogenic. Last evaluated: 2024-10-01. Review status: criteria provided, single submitter. Criteria: CeGaT Center For Human Genetics Tuebingen Variant Classification Criteria Version 2. Collection method: clinical testing. Allele origin: germline. Affected: yes. Observed: 3 variant alleles.
Comment: TCTN1: PVS1, PM2, PM3

OMIM
Classification: Pathogenic for JOUBERT SYNDROME 13. Last evaluated: 2011-07-03. Review status: no assertion criteria provided. Collection method: literature only. Allele origin: germline. Not counted in ClinVar's aggregate classification.

Literature cited by the submitters: PubMed 21725307 (cited by OMIM); PubMed 26477546 (cited by OMIM).